The following is an entry in ClinVar:

ClinVar aggregate classification (germline): Conflicting classifications of pathogenicity. Review status: criteria provided, conflicting classifications (1 of 4 stars). 4 submissions from 4 submitters: Pathogenic (1); Likely pathogenic (2); Uncertain significance (1). Last evaluated 2025-10-26.

Conditions:
Frontotemporal dementia (FTD1). Also called: Frontotemporal lobe dementia (FLDEM); WILHELMSEN-LYNCH DISEASE; FRONTOTEMPORAL DEMENTIA WITH PARKINSONISM; FRONTOTEMPORAL LOBE DEMENTIA; MULTIPLE SYSTEM TAUOPATHY WITH PRESENILE DEMENTIA; Dementia, frontotemporal, with or without parkinsonism. Identifiers: Orphanet 282, MedGen C0338451, MONDO:0017276, OMIM 600274, HP:0002145.
Acne inversa, familial, 3 (ACNINV3). Identifiers: MedGen C3151038, MONDO:0013398, OMIM 613737.
Alzheimer disease 3 (AD3). Also called: ALZHEIMER DISEASE, FAMILIAL, 3. Identifiers: Orphanet 1020, MedGen C1843013, MONDO:0011913, OMIM 607822.
Pick disease. Also called: DEMENTIA WITH LOBAR ATROPHY AND NEURONAL CYTOPLASMIC INCLUSIONS; LOBAR ATROPHY OF BRAIN; PICK DISEASE OF BRAIN; Pick's disease; Pick Disease of the Brain. Identifiers: Orphanet 282, MedGen C0236642, MONDO:0008243, OMIM 172700.

Submissions (4):

Labcorp Genetics (formerly Invitae), Labcorp
Classification: Likely pathogenic for Alzheimer disease 3; Pick disease; Acne inversa, familial, 3; Frontotemporal dementia. Last evaluated: 2025-10-26. Review status: criteria provided, single submitter. Criteria: Invitae Variant Classification Sherloc (09022015). Collection method: clinical testing. Allele origin: germline.
Comment: This sequence change replaces proline, which is neutral and non-polar, with alanine, which is neutral and non-polar, at codon 267 of the PSEN1 protein (p.Pro267Ala). This variant is not present in population databases (gnomAD no frequency). This missense change has been observed in individual(s) with early-onset Alzheimer disease (PMID: 26888304, 37646002). ClinVar contains an entry for this variant (Variation ID: 448146). Invitae Evidence Modeling of protein sequence and biophysical properties (such as structural, functional, and spatial information, amino acid conservation, physicochemical variation, residue mobility, and thermodynamic stability) indicates that this missense variant is expected to disrupt PSEN1 protein function with a positive predictive value of 95%. This variant disrupts the p.Pro267 amino acid residue in PSEN1. Other variant(s) that disrupt this residue have been determined to be pathogenic (PMID: 12817569, 15094846; internal data). This suggests that this residue is clinically significant, and that variants that disrupt this residue are likely to be disease-causing. In summary, the currently available evidence indicates that the variant is pathogenic, but additional data are needed to prove that conclusively. Therefore, this variant has been classified as Likely Pathogenic.

Mayo Clinic Laboratories, Mayo Clinic
Classification: Pathogenic. Last evaluated: 2024-08-14. Review status: criteria provided, single submitter. Criteria: ACMG Guidelines, 2015. Collection method: clinical testing. Allele origin: germline.
Comment: PP3, PP4, PM2, PM5, PS3, PS4_supporting

Women's Health and Genetics/Laboratory Corporation of America, LabCorp
Classification: Likely pathogenic for Alzheimer disease 3. Last evaluated: 2024-04-25. Review status: criteria provided, single submitter. Criteria: LabCorp Variant Classification Summary - May 2015. Collection method: clinical testing. Allele origin: germline.
Comment: Variant summary: PSEN1 c.799C>G (p.Pro267Ala) results in a non-conservative amino acid change in the encoded protein sequence. Five of five in-silico tools predict a damaging effect of the variant on protein function. The variant was absent in 250622 control chromosomes. c.799C>G has been reported in the literature in individuals affected with Alzheimer Disease, Type 3 (Ringman_2016). These data indicate that the variant may be associated with disease. To our knowledge, no experimental evidence demonstrating an impact on protein function has been reported. Other variants that affect the same codon have been reported with functional and/or clinical evidence (p.P267S, p.P267L), suggesting the codon may be important for protein function. The following publication has been ascertained in the context of this evaluation (PMID: 26888304). ClinVar contains an entry for this variant (Variation ID: 448146). Based on the evidence outlined above, the variant was classified as likely pathogenic.

Athena Diagnostics
Classification: Uncertain significance. Last evaluated: 2016-11-17. Review status: criteria provided, single submitter. Criteria: Athena Diagnostics Criteria. Collection method: clinical testing. Allele origin: germline.

Literature cited by the submitters: PubMed 26888304 (cited by 4 submitters); PubMed 37646002 (cited by Labcorp Genetics (formerly Invitae), Labcorp and Mayo Clinic Laboratories, Mayo Clinic); PubMed 12817569 (cited by Labcorp Genetics (formerly Invitae), Labcorp); PubMed 15094846 (cited by Labcorp Genetics (formerly Invitae), Labcorp); PubMed 26438723 (cited by Mayo Clinic Laboratories, Mayo Clinic); PubMed 34331941 (cited by Mayo Clinic Laboratories, Mayo Clinic); PubMed 35278341 (cited by Mayo Clinic Laboratories, Mayo Clinic).

NM_000021.4(PSEN1):c.799C>G (p.Pro267Ala)

Gene: PSEN1 (presenilin 1; plus strand). Cytogenetic location: 14q24.2.
Variant type: single nucleotide variant.
Coding change: c.799C>G on transcript NM_000021.4 (MANE Select); coding-DNA position 799, C replaced by G.
Protein change: p.Pro267Ala; replaces proline 267 with alanine.
Molecular consequence: missense variant.
Genome position (GRCh38, 1-based): chr14:73,198,060, C>G. VCF-style: chr14-73198060-C-G. GRCh37 (hg19) VCF-style: chr14-73664768-C-G.
Other names: c.787C>G, p.Pro263Ala (NM_007318.3); short protein forms P267A, P263A.
Identifiers: ClinVar variation 448146 (VCV000448146.5), dbSNP rs63751229, ClinGen allele CA390301959.